The following is an entry in ClinVar:

ClinVar aggregate classification (germline): Pathogenic/Likely pathogenic. Review status: criteria provided, multiple submitters, no conflicts (2 of 4 stars). 2 submissions from 2 submitters: Pathogenic (1); Likely pathogenic (1). Last evaluated 2026-06-24.

Conditions:
LAMA2-related muscular dystrophy (LAMA2-RD). Also called: Laminin alpha 2-related dystrophy. Identifiers: MedGen C5679788, MONDO:0100228.
Merosin deficient congenital muscular dystrophy (MDC1A). Also called: Congenital merosin-deficient muscular dystrophy 1A; Congenital Muscular Dystrophy Type 1A (MDC1A). Identifiers: Orphanet 258, MedGen C1263858, MONDO:0011925, OMIM 607855.

Allele frequency attached by ClinVar (database versions not stated): ExAC 0.00001; gnomAD exomes 0.00001.
gnomAD v4.1: 7 of 1,613,794 alleles (0.00043%); highest among the groups gnomAD compares: Non-Finnish European, 0.00059%; no homozygotes.

Submissions (2):

Myriad Genetics, Inc.
Classification: Likely pathogenic for LAMA2-related muscular dystrophy. Last evaluated: 2026-06-24. Review status: criteria provided, single submitter. Criteria: Myriad Autosomal Dominant, Autosomal Recessive and X-Linked Classification Criteria (2023). Collection method: clinical testing. Allele origin: unknown.
Comment: NM_000426.3(LAMA2):c.1307-2A>G is a variant in a canonical splice site classified as likely pathogenic in the context of muscular dystrophy, LAMA2-related. c.1307-2A>G has been observed in a case with relevant disease (PMID: 20207543). Relevant functional assessments of this variant are not available in the literature. c.1307-2A>G has been observed in referenced population frequency databases. In summary, NM_000426.3(LAMA2):c.1307-2A>G is a variant in a canonical splice site in a gene where loss of function is a known mechanism of disease, is predicted to disrupt protein function, and has been observed more frequently in cases with the relevant disease than in healthy populations. Please note: this variant was assessed in the context of healthy population screening.

Baylor Genetics
Classification: Pathogenic for Merosin deficient congenital muscular dystrophy. Last evaluated: 2022-08-13. Review status: criteria provided, single submitter. Criteria: ACMG Guidelines, 2015. Collection method: clinical testing. Allele origin: unknown.

Literature cited by the submitters: PubMed 20207543 (cited by Myriad Genetics, Inc.).

NM_000426.4(LAMA2):c.1307-2A>G

Gene: LAMA2 (laminin subunit alpha 2; plus strand). Cytogenetic location: 6q22.33.
Variant type: single nucleotide variant.
Coding change: c.1307-2A>G on transcript NM_000426.4 (MANE Select); the canonical splice acceptor site of the intron before coding-DNA position 1307, A replaced by G.
Molecular consequence: splice acceptor variant.
Genome position (GRCh38, 1-based): chr6:129,177,704, A>G. VCF-style: chr6-129177704-A-G. GRCh37 (hg19) VCF-style: chr6-129498849-A-G.
Other names: c.1307-2A>G (NM_001079823.2).
Identifiers: ClinVar variation 2676270 (VCV002676270.2), dbSNP rs780263878, ClinGen allele CA3992586.